The following is an entry in ClinVar:

NM_025074.7(FRAS1):c.1472G>A (p.Arg491Gln)

Gene: FRAS1 (Fraser extracellular matrix complex subunit 1; plus strand). Cytogenetic location: 4q21.21.
Variant type: single nucleotide variant.
Coding change: c.1472G>A on transcript NM_025074.7 (MANE Select); coding-DNA position 1472, G replaced by A.
Protein change: p.Arg491Gln; replaces arginine 491 with glutamine.
Molecular consequence: missense variant.
Genome position (GRCh38, 1-based): chr4:78,286,477, G>A. VCF-style: chr4-78286477-G-A. GRCh37 (hg19) VCF-style: chr4-79207631-G-A.
Other names: c.1472G>A, p.Arg491Gln (NM_001166133.2); short protein forms R491Q.
Identifiers: ClinVar variation 1507950 (VCV001507950.4), dbSNP rs369973948, ClinGen allele CA2976308.

ClinVar aggregate classification (germline): Uncertain significance. Review status: criteria provided, multiple submitters, no conflicts (2 of 4 stars). 2 submissions from 2 submitters: Uncertain significance (2). Last evaluated 2022-09-07.

Conditions:
Fraser syndrome 1 (FRASRS1). Also called: CRYPTOPHTHALMOS WITH OTHER MALFORMATIONS. Identifiers: Orphanet 2052, MedGen C4551480, MONDO:0054737, OMIM 219000.

Allele frequency attached by ClinVar (database versions not stated): gnomAD 0.00001; gnomAD exomes 0.00001 and 0.00002; ExAC 0.00002; ESP Exome Variant Server 0.00008.
gnomAD v4.1: 19 of 1,613,500 alleles (0.0012%); highest among the groups gnomAD compares: South Asian, 0.0044%; no homozygotes.

Submissions (2):

Labcorp Genetics (formerly Invitae), Labcorp
Classification: Uncertain significance. Last evaluated: 2022-09-07. Review status: criteria provided, single submitter. Criteria: Invitae Variant Classification Sherloc (09022015). Collection method: clinical testing. Allele origin: germline.
Comment: This sequence change replaces arginine, which is basic and polar, with glutamine, which is neutral and polar, at codon 491 of the FRAS1 protein (p.Arg491Gln). This variant is present in population databases (rs369973948, gnomAD 0.006%). This variant has not been reported in the literature in individuals affected with FRAS1-related conditions. ClinVar contains an entry for this variant (Variation ID: 1507950). Algorithms developed to predict the effect of missense changes on protein structure and function output the following: SIFT: "Tolerated"; PolyPhen-2: "Benign"; Align-GVGD: "Class C0". The glutamine amino acid residue is found in multiple mammalian species, which suggests that this missense change does not adversely affect protein function. Algorithms developed to predict the effect of sequence changes on RNA splicing suggest that this variant may create or strengthen a splice site. In summary, the available evidence is currently insufficient to determine the role of this variant in disease. Therefore, it has been classified as a Variant of Uncertain Significance.

Fulgent Genetics
Classification: Uncertain significance for Fraser syndrome 1. Last evaluated: 2022-05-13. Review status: criteria provided, single submitter. Criteria: ACMG Guidelines, 2015. Collection method: clinical testing. Allele origin: unknown.